The following is an entry in ClinVar:

NM_001018116.2(CAVIN4):c.57G>A (p.Ser19=)

Gene: CAVIN4 (caveolae associated protein 4; plus strand). Cytogenetic location: 9q31.1.
Variant type: single nucleotide variant.
Coding change: c.57G>A on transcript NM_001018116.2 (MANE Select); coding-DNA position 57, G replaced by A.
Protein change: p.Ser19=; no amino-acid change (serine 19 retained).
Molecular consequence: synonymous variant.
Genome position (GRCh38, 1-based): chr9:100,578,200, G>A. VCF-style: chr9-100578200-G-A. GRCh37 (hg19) VCF-style: chr9-103340482-G-A.
Identifiers: ClinVar variation 226742 (VCV000226742.9), dbSNP rs141589872, ClinGen allele CA5159977.

ClinVar aggregate classification (germline): Benign/Likely benign. Review status: criteria provided, multiple submitters, no conflicts (2 of 4 stars). 4 submissions from 4 submitters: Benign (1); Likely benign (2). 1 of the submissions does not count toward it. Last evaluated 2020-08-26.

Conditions:
CAVIN4-related disorder. Also called: CAVIN4-related condition.

Allele frequency attached by ClinVar (database versions not stated): ExAC 0.00059; gnomAD 0.00182 and 0.00186; TOPMed 0.00182; gnomAD exomes 0.00043 and 0.00017; ESP Exome Variant Server 0.00208; 1000 Genomes Project 0.00240; 1000 Genomes Project 30x 0.00297.
gnomAD v4.1: 528 of 1,613,916 alleles (0.033%); highest among the groups gnomAD compares: African/African-American, 0.66%; 5 homozygotes.

Submissions (4):

GeneDx
Classification: Likely benign. Last evaluated: 2020-08-26. Review status: criteria provided, single submitter. Criteria: GeneDx Variant Classification Process June 2021. Collection method: clinical testing. Allele origin: germline. Affected: yes.
Comment: This variant is associated with the following publications: (PMID: 21642240)

Laboratory for Molecular Medicine, Mass General Brigham Personalized Medicine
Classification: Benign. Last evaluated: 2014-11-24. Review status: criteria provided, single submitter. Criteria: LMM Criteria. Collection method: clinical testing. Allele origin: germline. Observed: 2 variant alleles.
Comment: Ser19Ser in exon 1 of MURC: This variant is not expected to have clinical signif icance because it does not alter an amino acid residue and is not located within the splice consensus sequence. It has been identified in 0.6% (27/4406) of Afri can American chromosomes from a broad population by the NHLBI Exome Sequencing P roject (dbSNP rs141589872).

Breakthrough Genomics
Classification: Likely benign. Review status: criteria provided, single submitter. Criteria: ACMG Guidelines, 2015. Collection method: not provided. Allele origin: germline. Inheritance: Unknown mechanism. Affected: yes.

PreventionGenetics, part of Exact Sciences
Classification: Likely benign for CAVIN4-related condition. Last evaluated: 2019-04-01. Review status: no assertion criteria provided. Collection method: clinical testing. Allele origin: germline. Not counted in ClinVar's aggregate classification.
Comment: This variant is classified as likely benign based on ACMG/AMP sequence variant interpretation guidelines (Richards et al. 2015 PMID: 25741868, with internal and published modifications).